The following is an entry in ClinVar:

ClinVar aggregate classification (germline): Uncertain significance (1 of 4 stars; one submission).

Allele frequency attached by ClinVar (database versions not stated): ExAC 0.00007; gnomAD 0.00010; 1000 Genomes Project 30x 0.00031; 1000 Genomes Project 0.00040.
gnomAD v4.1: 37 of 1,613,842 alleles (0.0023%); highest among the groups gnomAD compares: African/African-American, 0.02%; no homozygotes.

Submission:

Labcorp Genetics (formerly Invitae), Labcorp
Classification: Uncertain significance. Last evaluated: 2022-08-05. Review status: criteria provided, single submitter. Criteria: Invitae Variant Classification Sherloc (09022015). Collection method: clinical testing. Allele origin: germline.
Comment: This sequence change replaces glutamic acid, which is acidic and polar, with lysine, which is basic and polar, at codon 3189 of the PCLO protein (p.Glu3189Lys). This variant is present in population databases (rs549114733, gnomAD 0.03%). This variant has not been reported in the literature in individuals affected with PCLO-related conditions. Algorithms developed to predict the effect of missense changes on protein structure and function are either unavailable or do not agree on the potential impact of this missense change (SIFT: "Deleterious"; PolyPhen-2: "Not Available"; Align-GVGD: "Class C0"). In summary, the available evidence is currently insufficient to determine the role of this variant in disease. Therefore, it has been classified as a Variant of Uncertain Significance.

NM_033026.6(PCLO):c.9565G>A (p.Glu3189Lys)

Gene: PCLO (piccolo presynaptic cytomatrix protein; minus strand). Cytogenetic location: 7q21.11.
Variant type: single nucleotide variant.
Coding change: c.9565G>A on transcript NM_033026.6 (MANE Select); coding-DNA position 9565, G replaced by A.
Protein change: p.Glu3189Lys; replaces glutamic acid 3189 with lysine.
Molecular consequence: missense variant.
Genome position (GRCh38, 1-based): chr7:82,951,023, C>T on the plus strand (G>A on the coding strand, the complement: PCLO is on the minus strand). VCF-style: chr7-82951023-C-T. GRCh37 (hg19) VCF-style: chr7-82580339-C-T.
Other names: c.9565G>A, p.Glu3189Lys (NM_014510.3); short protein forms E3189K.
Identifiers: ClinVar variation 1939888 (VCV001939888.2), dbSNP rs549114733, ClinGen allele CA4319896.